The following is an entry in ClinVar:

ClinVar aggregate classification (germline): Pathogenic (1 of 4 stars; one submission).

Conditions:
KMT2A-related disorder. Also called: KMT2A-related condition.

Submission:

PreventionGenetics, part of Exact Sciences
Classification: Pathogenic for KMT2A-related condition. Last evaluated: 2025-08-09. Review status: criteria provided, single submitter. Criteria: ACMG Guidelines, 2015. Collection method: clinical testing. Allele origin: germline.
Comment: The KMT2A c.3647_3650delAAGA variant is predicted to result in a frameshift and premature protein termination (p.Lys1216Argfs*18). This variant has been reported as de novo in the heterozygous state in an individual with Wiedemann-Steiner syndrome (Demir et al. 2021. PubMed ID: 33776627). This variant has not been reported in a large population database (gnomAD), indicating this variant is rare. Frameshift variants in KMT2A are expected to be pathogenic. This variant is interpreted as pathogenic.

NM_001197104.2(KMT2A):c.3647_3650del (p.Lys1216fs)

Gene: KMT2A (lysine methyltransferase 2A; plus strand). Cytogenetic location: 11q23.3.
Variant type: Microsatellite.
Coding change: c.3647_3650del on transcript NM_001197104.2 (MANE Select); coding-DNA positions 3647 to 3650, 4 bases deleted (AAGA; older notation c.3647_3650delAAGA).
Protein change: p.Lys1216fs; shifts the reading frame from lysine 1216.
Molecular consequence: frameshift variant.
Genome position (GRCh38, 1-based): chr11:118,481,727-118,481,730, AAGA deleted; deleting any 4 consecutive bases within chr11:118,481,722-118,481,730 gives the same sequence; the c. name uses the placement nearest the transcript's 3' end. VCF-style (leftmost placement, unchanged base first): chr11-118481721-AAAAG-A. GRCh37 (hg19) VCF-style: chr11-118352436-AAAAG-A.
Other names: c.3643_3646AAGA[1], p.Lys1216Argfs (NM_001197104.1); c.3746_3749del, p.Lys1249fs (NM_001412597.1); c.3647_3650del, p.Lys1216fs (NM_005933.4); c.3647_3650delAAGA (NM_001197104.1); short protein forms K1249fs, K1216fs.
Identifiers: ClinVar variation 4993231 (VCV004993231.1).